The following is an entry in ClinVar:

NM_004863.4(SPTLC2):c.44G>A (p.Arg15Gln)

Gene: SPTLC2 (serine palmitoyltransferase long chain base subunit 2; minus strand). Cytogenetic location: 14q24.3.
Variant type: single nucleotide variant.
Coding change: c.44G>A on transcript NM_004863.4 (MANE Select); coding-DNA position 44, G replaced by A.
Protein change: p.Arg15Gln; replaces arginine 15 with glutamine.
Molecular consequence: missense variant.
Genome position (GRCh38, 1-based): chr14:77,616,536, C>T on the plus strand (G>A on the coding strand, the complement: SPTLC2 is on the minus strand). VCF-style: chr14-77616536-C-T. GRCh37 (hg19) VCF-style: chr14-78082879-C-T.
Other names: short protein forms R15Q.
Identifiers: ClinVar variation 538852 (VCV000538852.8), dbSNP rs1164824967, ClinGen allele CA390712529.

ClinVar aggregate classification (germline): Uncertain significance (1 of 4 stars; one submission).

Conditions:
Neuropathy, hereditary sensory and autonomic, type 1C. Also called: HSAN IC; HSN IC. Identifiers: Orphanet 36386, MedGen C3150896, MONDO:0013337, OMIM 613640.

Allele frequency attached by ClinVar (database versions not stated): gnomAD 0.00001; TOPMed 0.00002.
gnomAD v4.1: 5 of 1,535,552 alleles (0.00033%); highest among the groups gnomAD compares: Non-Finnish European, 0.00035%; no homozygotes.

Submission:

Labcorp Genetics (formerly Invitae), Labcorp
Classification: Uncertain significance for Neuropathy, hereditary sensory and autonomic, type 1C. Last evaluated: 2025-08-05. Review status: criteria provided, single submitter. Criteria: Invitae Variant Classification Sherloc (09022015). Collection method: clinical testing. Allele origin: germline.
Comment: This sequence change replaces arginine, which is basic and polar, with glutamine, which is neutral and polar, at codon 15 of the SPTLC2 protein (p.Arg15Gln). This variant is not present in population databases (gnomAD no frequency). This variant has not been reported in the literature in individuals affected with SPTLC2-related conditions. ClinVar contains an entry for this variant (Variation ID: 538852). Invitae Evidence Modeling of protein sequence and biophysical properties (such as structural, functional, and spatial information, amino acid conservation, physicochemical variation, residue mobility, and thermodynamic stability) indicates that this missense variant is not expected to disrupt SPTLC2 protein function with a negative predictive value of 95%. In summary, the available evidence is currently insufficient to determine the role of this variant in disease. Therefore, it has been classified as a Variant of Uncertain Significance.